The following is an entry in ClinVar:

ClinVar aggregate classification (germline): Uncertain significance (1 of 4 stars; one submission).

Submission:

GeneDx
Classification: Uncertain significance. Last evaluated: 2023-03-01. Review status: criteria provided, single submitter. Criteria: GeneDx Variant Classification Process June 2021. Collection method: clinical testing. Allele origin: germline. Affected: yes.
Comment: Not observed at significant frequency in large population cohorts (gnomAD); Frameshift variant predicted to result in protein truncation as the last 20 amino acids are replaced with 12 different amino acids, although loss-of-function variants have not been reported downstream of this position in the protein; Has not been previously published as pathogenic or benign to our knowledge

NM_006618.5(KDM5B):c.4573del (p.Ala1525fs)

Gene: KDM5B (lysine demethylase 5B; minus strand). Cytogenetic location: 1q32.1.
Variant type: Deletion.
Coding change: c.4573del on transcript NM_006618.5 (MANE Select); coding-DNA position 4573, one base deleted (G; older notation c.4573delG).
Protein change: p.Ala1525fs; shifts the reading frame from alanine 1525.
Molecular consequence: frameshift variant.
Genome position (GRCh38, 1-based): chr1:202,729,098, C deleted on the plus strand (G on the coding strand, the reverse complement: KDM5B is on the minus strand); the first of 2 consecutive C bases (chr1:202,729,098-202,729,099); deleting either gives the same sequence. VCF-style (leftmost placement, unchanged base first): chr1-202729097-GC-G. GRCh37 (hg19) VCF-style: chr1-202698225-GC-G.
Other names: c.4681del, p.Ala1561fs (NM_001314042.2); c.4438del, p.Ala1480fs (NM_001347591.2); c.4558del, p.Ala1520fs (NM_001399817.1); short protein forms A1480fs, A1520fs, A1525fs, A1561fs.
Identifiers: ClinVar variation 2578265 (VCV002578265.1), dbSNP rs2527382248, ClinGen allele CA2580617634.